The following is an entry in ClinVar:

NM_173728.4(ARHGEF15):c.1045G>C (p.Asp349His)

Gene: ARHGEF15 (Rho guanine nucleotide exchange factor 15; plus strand). Cytogenetic location: 17p13.1.
Variant type: single nucleotide variant.
Coding change: c.1045G>C on transcript NM_173728.4 (MANE Select); coding-DNA position 1045, G replaced by C.
Protein change: p.Asp349His; replaces aspartic acid 349 with histidine.
Molecular consequence: missense variant.
Genome position (GRCh38, 1-based): chr17:8,314,961, G>C. VCF-style: chr17-8314961-G-C. GRCh37 (hg19) VCF-style: chr17-8218279-G-C.
Other names: c.1045G>C, p.Asp349His (NM_025014.2); short protein forms D349H.
Identifiers: ClinVar variation 461425 (VCV000461425.13), dbSNP rs146014287, ClinGen allele CA8375071.

ClinVar aggregate classification (germline): Uncertain significance. Review status: criteria provided, multiple submitters, no conflicts (2 of 4 stars). 2 submissions from 2 submitters: Uncertain significance (2). Last evaluated 2025-01-29.

Conditions:
Early-infantile DEE. Also called: Early infantile epileptic encephalopathy with suppression bursts; Early infantile epileptic encephalopathy; Ohtahara syndrome. Identifiers: Orphanet 1934, MedGen C0393706, MONDO:0800491.

Allele frequency attached by ClinVar (database versions not stated): ExAC 0.00018; gnomAD exomes 0.00018 and 0.00048; TOPMed 0.00022; ESP Exome Variant Server 0.00023; gnomAD 0.00026 and 0.00028.
gnomAD v4.1: 723 of 1,614,000 alleles (0.045%); highest among the groups gnomAD compares: Non-Finnish European, 0.058%; no homozygotes.

Submissions (2):

Labcorp Genetics (formerly Invitae), Labcorp
Classification: Uncertain significance for Early-infantile DEE. Last evaluated: 2025-01-29. Review status: criteria provided, single submitter. Criteria: Invitae Variant Classification Sherloc (09022015). Collection method: clinical testing. Allele origin: germline.
Comment: This sequence change replaces aspartic acid, which is acidic and polar, with histidine, which is basic and polar, at codon 349 of the ARHGEF15 protein (p.Asp349His). This variant is present in population databases (rs146014287, gnomAD 0.03%), and has an allele count higher than expected for a pathogenic variant. This variant has not been reported in the literature in individuals affected with ARHGEF15-related conditions. ClinVar contains an entry for this variant (Variation ID: 461425). An algorithm developed to predict the effect of missense changes on protein structure and function outputs the following: PolyPhen-2: "Benign". The histidine amino acid residue is found in multiple mammalian species, which suggests that this missense change does not adversely affect protein function. In summary, the available evidence is currently insufficient to determine the role of this variant in disease. Therefore, it has been classified as a Variant of Uncertain Significance.

Ambry Genetics
Classification: Uncertain significance. Last evaluated: 2024-03-29. Review status: criteria provided, single submitter. Criteria: Ambry Variant Classification Scheme 2023. Collection method: clinical testing. Allele origin: germline.